The following is an entry in ClinVar:

NM_001386140.1(MTTP):c.1088T>C (p.Val363Ala)

Gene: MTTP (microsomal triglyceride transfer protein; plus strand). Cytogenetic location: 4q23.
Variant type: single nucleotide variant.
Coding change: c.1088T>C on transcript NM_001386140.1 (MANE Select); coding-DNA position 1088, T replaced by C.
Protein change: p.Val363Ala; replaces valine 363 with alanine.
Molecular consequence: missense variant.
Genome position (GRCh38, 1-based): chr4:99,600,585, T>C. VCF-style: chr4-99600585-T-C. GRCh37 (hg19) VCF-style: chr4-100521742-T-C.
Other names: c.1088T>C (NM_000253.2); c.1088T>C, p.Val363Ala (NM_000253.4); c.839T>C, p.Val280Ala (NM_001300785.2); short protein forms V363A, V280A.
Identifiers: ClinVar variation 2150276 (VCV002150276.4), dbSNP rs1217629807, ClinGen allele CA357507917.

ClinVar aggregate classification (germline): Uncertain significance. Review status: criteria provided, multiple submitters, no conflicts (2 of 4 stars). 2 submissions from 2 submitters: Uncertain significance (2). Last evaluated 2025-01-29.

Conditions:
Inborn genetic diseases. Identifiers: MedGen C0950123, MeSH D030342.

Allele frequency attached by ClinVar (database versions not stated): gnomAD exomes 0.00001; TOPMed 0.00001.
gnomAD v4.1: 6 of 1,613,756 alleles (0.00037%); highest among the groups gnomAD compares: Admixed American, 0.01%; no homozygotes.

Submissions (2):

Ambry Genetics
Classification: Uncertain significance for Inborn genetic diseases. Last evaluated: 2025-01-29. Review status: criteria provided, single submitter. Criteria: Ambry Variant Classification Scheme 2023. Collection method: clinical testing. Allele origin: germline.

Labcorp Genetics (formerly Invitae), Labcorp
Classification: Uncertain significance. Last evaluated: 2025-01-15. Review status: criteria provided, single submitter. Criteria: Invitae Variant Classification Sherloc (09022015). Collection method: clinical testing. Allele origin: germline.
Comment: This sequence change replaces valine, which is neutral and non-polar, with alanine, which is neutral and non-polar, at codon 363 of the MTTP protein (p.Val363Ala). This variant is present in population databases (no rsID available, gnomAD 0.01%). This variant has not been reported in the literature in individuals affected with MTTP-related conditions. ClinVar contains an entry for this variant (Variation ID: 2150276). Invitae Evidence Modeling of protein sequence and biophysical properties (such as structural, functional, and spatial information, amino acid conservation, physicochemical variation, residue mobility, and thermodynamic stability) indicates that this missense variant is not expected to disrupt MTTP protein function with a negative predictive value of 80%. In summary, the available evidence is currently insufficient to determine the role of this variant in disease. Therefore, it has been classified as a Variant of Uncertain Significance.